The following is an entry in ClinVar:

NM_012232.6(CAVIN1):c.462G>C (p.Met154Ile)

Gene: CAVIN1 (caveolae associated protein 1; minus strand). Cytogenetic location: 17q21.2.
Variant type: single nucleotide variant.
Coding change: c.462G>C on transcript NM_012232.6 (MANE Select); coding-DNA position 462, G replaced by C.
Protein change: p.Met154Ile; replaces methionine 154 with isoleucine.
Molecular consequence: missense variant.
Genome position (GRCh38, 1-based): chr17:42,422,636, C>G on the plus strand (G>C on the coding strand, the complement: CAVIN1 is on the minus strand). VCF-style: chr17-42422636-C-G. GRCh37 (hg19) VCF-style: chr17-40574654-C-G.
Other names: short protein forms M154I.
Identifiers: ClinVar variation 323279 (VCV000323279.49), dbSNP rs148239625, ClinGen allele CA8575871.

ClinVar aggregate classification (germline): Conflicting classifications of pathogenicity. Review status: criteria provided, conflicting classifications (1 of 4 stars). 5 submissions from 5 submitters: Uncertain significance (4); Likely benign (1). Last evaluated 2026-04-02.

Conditions:
Monogenic diabetes. Identifiers: Orphanet 183625, MedGen C3888631, MONDO:0015967.
Congenital generalized lipodystrophy type 4. Also called: BERARDINELLI-SEIP CONGENITAL LIPODYSTROPHY, TYPE 4, WITH MUSCULAR DYSTROPHY. Identifiers: Orphanet 228429, MedGen C2750069, MONDO:0013225, OMIM 613327.

Allele frequency attached by ClinVar (database versions not stated): TOPMed 0.00030; 1000 Genomes Project 30x 0.00031; gnomAD exomes 0.00032; gnomAD 0.00034; 1000 Genomes Project 0.00040; ESP Exome Variant Server 0.00046; ExAC 0.00080.

Submissions (5):

GeneDx
Classification: Uncertain significance. Last evaluated: 2026-04-02. Review status: criteria provided, single submitter. Criteria: GeneDx Variant Classification Process June 2021. Collection method: clinical testing. Allele origin: germline.
Comment: Observed in individual with dyslipidemia and/or a metabolic disorder in published literature (Dron et al., 2020); In silico analysis suggests that this missense variant does not alter protein structure/function; This variant is associated with the following publications: (PMID: 32041611)

CeGaT Center for Human Genetics Tuebingen
Classification: Uncertain significance. Last evaluated: 2020-07-01. Review status: criteria provided, single submitter. Criteria: CeGaT Center For Human Genetics Tuebingen Variant Classification Criteria Version 2. Collection method: clinical testing. Allele origin: germline. Affected: yes. Observed: 1 variant allele.

Revvity Omics, Revvity
Classification: Uncertain significance for Congenital generalized lipodystrophy type 4. Last evaluated: 2020-03-19. Review status: criteria provided, single submitter. Criteria: ACMG Guidelines, 2015. Collection method: clinical testing. Allele origin: germline.

Personalized Diabetes Medicine Program, University of Maryland School of Medicine
Classification: Likely benign for Monogenic diabetes. Last evaluated: 2018-12-21. Review status: criteria provided, single submitter. Criteria: ACMG Guidelines, 2015. Collection method: research. Allele origin: unknown. Observed: 1 variant allele, 1 heterozygote.
Comment: ACMG criteria: BP1 + BP4 (REVEL 0.115 + 5 predictors)= likely benign

Illumina Laboratory Services, Illumina
Classification: Uncertain significance for Congenital generalized lipodystrophy type 4. Last evaluated: 2018-01-13. Review status: criteria provided, single submitter. Criteria: ICSL Variant Classification Criteria 13 December 2019. Collection method: clinical testing. Allele origin: germline.